The following is an entry in ClinVar:

NM_014845.6(FIG4):c.2696G>A (p.Arg899Gln)

Gene: FIG4 (FIG4 phosphoinositide 5-phosphatase; plus strand). Cytogenetic location: 6q21.
Variant type: single nucleotide variant.
Coding change: c.2696G>A on transcript NM_014845.6 (MANE Select); coding-DNA position 2696, G replaced by A.
Protein change: p.Arg899Gln; replaces arginine 899 with glutamine.
Molecular consequence: missense variant.
Genome position (GRCh38, 1-based): chr6:109,825,237, G>A. VCF-style: chr6-109825237-G-A. GRCh37 (hg19) VCF-style: chr6-110146440-G-A.
Other names: short protein forms R899Q.
Identifiers: ClinVar variation 3349440 (VCV003349440.1).

ClinVar aggregate classification (germline): Uncertain significance (0 of 4 stars; one submission).

Conditions:
FIG4-related disorder. Also called: FIG4-related condition; FIG4-related disorders.

Submission:

PreventionGenetics, part of Exact Sciences
Classification: Uncertain significance for FIG4-related condition. Last evaluated: 2023-11-20. Review status: no assertion criteria provided. Collection method: clinical testing. Allele origin: germline.
Comment: The FIG4 c.2696G>A variant is predicted to result in the amino acid substitution p.Arg899Gln. To our knowledge, this variant has not been reported in the literature or in a large population database, indicating this variant is rare. At this time, the clinical significance of this variant is uncertain due to the absence of conclusive functional and genetic evidence.